The following is an entry in ClinVar:

NM_021625.5(TRPV4):c.773T>C (p.Val258Ala)

Gene: TRPV4 (transient receptor potential cation channel subfamily V member 4; minus strand). Cytogenetic location: 12q24.11.
Variant type: single nucleotide variant.
Coding change: c.773T>C on transcript NM_021625.5 (MANE Select); coding-DNA position 773, T replaced by C.
Protein change: p.Val258Ala; replaces valine 258 with alanine.
Molecular consequence: missense variant. On other transcripts: intron variant (2).
Genome position (GRCh38, 1-based): chr12:109,800,698, A>G on the plus strand (T>C on the coding strand, the complement: TRPV4 is on the minus strand). VCF-style: chr12-109800698-A-G. GRCh37 (hg19) VCF-style: chr12-110238503-A-G.
Other names: c.671T>C, p.Val224Ala (NM_001177431.2); c.773T>C, p.Val258Ala (NM_147204.3); c.713-1786T>C (NM_001177433.1, NM_001177428.1); short protein forms V258A, V224A.
Identifiers: ClinVar variation 431877 (VCV000431877.2), dbSNP rs1555208102, ClinGen allele CA386655394.

ClinVar aggregate classification (germline): Uncertain significance (1 of 4 stars; one submission).

Allele frequency attached by ClinVar (database versions not stated): TOPMed below 0.00001; gnomAD 0.00001.
gnomAD v4.1: 1 of 1,614,006 alleles (0.000062%); highest among the groups gnomAD compares: Non-Finnish European, 0.000085%; no homozygotes.

Submission:

GeneDx
Classification: Uncertain significance. Last evaluated: 2015-07-01. Review status: criteria provided, single submitter. Criteria: GeneDx Variant Classification (06012015). Collection method: clinical testing. Allele origin: germline. Affected: yes.
Comment: The V258A variant has not been published as pathogenic, nor has it been reported as a benign polymorphism to our knowledge. It was not observed in approximately 6,500 individuals of European and African American ancestry in the NHLBI Exome Sequencing Project, indicating it is not a common benign variant in these populations. The V258A variant is a conservative amino acid substitution, which is not likely to impact secondary protein structure as these residues share similar properties. However, this substitution occurs at a position that is conserved in mammals, and in silico analysis predicts this variant is probably damaging to the protein structure/function. Therefore, based on the currently available information, it is unclear whether this variant is a pathogenic variant or a rare benign variant.